The following is an entry in ClinVar:

ClinVar aggregate classification (germline): Likely pathogenic (1 of 4 stars; one submission).

Conditions:
Catecholaminergic polymorphic ventricular tachycardia 1. Also called: VENTRICULAR TACHYCARDIA, STRESS-INDUCED POLYMORPHIC 1; VENTRICULAR TACHYCARDIA, CATECHOLAMINERGIC POLYMORPHIC, 1, WITH OR WITHOUT ATRIAL DYSFUNCTION AND/OR DILATED CARDIOMYOPATHY; RYR2-Related Catecholaminergic Polymorphic Ventricular Tachycardia. Identifiers: Orphanet 3286, MedGen C1631597, MONDO:0011484, OMIM 604772.

Submission:

Labcorp Genetics (formerly Invitae), Labcorp
Classification: Likely pathogenic for Catecholaminergic polymorphic ventricular tachycardia 1. Last evaluated: 2023-03-01. Review status: criteria provided, single submitter. Criteria: Invitae Variant Classification Sherloc (09022015). Collection method: clinical testing. Allele origin: germline.
Comment: This variant results in the deletion of part of exon 1 of the TRDN gene. It is expected to disrupt RNA splicing. Variants that disrupt the donor or acceptor splice site typically lead to a loss of protein function (PMID: 16199547), and loss-of-function variants in TRDN are known to be pathogenic (PMID: 22422768, 25922419, 26200674, 30649896). This variant is not present in population databases (gnomAD no frequency). This variant has not been reported in the literature in individuals affected with TRDN-related conditions. ClinVar contains an entry for this variant (Variation ID: 2051520). Algorithms developed to predict the effect of sequence changes on RNA splicing suggest that this variant may disrupt the consensus splice site. In summary, the currently available evidence indicates that the variant is pathogenic, but additional data are needed to prove that conclusively. Therefore, this variant has been classified as Likely Pathogenic.

Literature cited by the submitters: PubMed 16199547; PubMed 22422768; PubMed 25922419; PubMed 26200674; PubMed 30649896.

NM_006073.4(TRDN):c.19_22+8del

Gene: TRDN (triadin; minus strand). Cytogenetic location: 6q22.31.
Variant type: Deletion.
Coding change: c.19_22+8del on transcript NM_006073.4 (MANE Select); coding-DNA position 19 through 8 bases into the intron after coding-DNA position 22, 12 bases deleted (GAAGGTATTGCT).
Molecular consequence: splice donor variant.
Genome position (GRCh38, 1-based): chr6:123,636,746-123,636,757, AGCAATACCTTC deleted on the plus strand (GAAGGTATTGCT on the coding strand, the reverse complement: TRDN is on the minus strand); deleting any 12 consecutive bases within chr6:123,636,746-123,636,761 gives the same sequence; the c. name uses the placement nearest the transcript's 3' end. VCF-style (leftmost placement, unchanged base first): chr6-123636745-TAGCAATACCTTC-T. GRCh37 (hg19) VCF-style: chr6-123957890-TAGCAATACCTTC-T.
Other names: c.19_22+8del (NM_001251987.2, NM_001256020.2, NM_001256021.2 and 1 more transcripts).
Identifiers: ClinVar variation 2051520 (VCV002051520.4), dbSNP rs2534900959, ClinGen allele CA2580074872.